The following is an entry in ClinVar:

ClinVar aggregate classification (germline): Uncertain significance (1 of 4 stars; one submission).

Allele frequency attached by ClinVar (database versions not stated): gnomAD 0.00002 and 0.00005; TOPMed 0.00002; gnomAD exomes 0.00005 and 0.00008; ExAC 0.00007; 1000 Genomes Project 30x 0.00047; 1000 Genomes Project 0.00060.
gnomAD v4.1: 120 of 1,611,632 alleles (0.0074%); highest among the groups gnomAD compares: East Asian, 0.26%; no homozygotes.

Submission:

Labcorp Genetics (formerly Invitae), Labcorp
Classification: Uncertain significance. Last evaluated: 2021-09-24. Review status: criteria provided, single submitter. Criteria: Invitae Variant Classification Sherloc (09022015). Collection method: clinical testing. Allele origin: germline.
Comment: This sequence change replaces threonine with alanine at codon 512 of the HELLS protein (p.Thr512Ala). The threonine residue is weakly conserved and there is a small physicochemical difference between threonine and alanine. This variant is present in population databases (rs76040812, ExAC 0.1%). This variant has not been reported in the literature in individuals with HELLS-related conditions. Algorithms developed to predict the effect of missense changes on protein structure and function (SIFT, PolyPhen-2, Align-GVGD) all suggest that this variant is likely to be tolerated, but these predictions have not been confirmed by published functional studies and their clinical significance is uncertain. In summary, the available evidence is currently insufficient to determine the role of this variant in disease. Therefore, it has been classified as a Variant of Uncertain Significance.

NM_018063.5(HELLS):c.1534A>G (p.Thr512Ala)

Gene: HELLS (helicase, lymphoid specific; plus strand). Cytogenetic location: 10q23.33.
Variant type: single nucleotide variant.
Coding change: c.1534A>G on transcript NM_018063.5 (MANE Select); coding-DNA position 1534, A replaced by G.
Protein change: p.Thr512Ala; replaces threonine 512 with alanine.
Molecular consequence: missense variant.
Genome position (GRCh38, 1-based): chr10:94,590,458, A>G. VCF-style: chr10-94590458-A-G. GRCh37 (hg19) VCF-style: chr10-96350215-A-G.
Other names: c.1672A>G, p.Thr558Ala (NM_001289067.2); c.1486A>G, p.Thr496Ala (NM_001289068.2); c.1438A>G, p.Thr480Ala (NM_001289069.2); c.1240A>G, p.Thr414Ala (NM_001289070.2); c.1162A>G, p.Thr388Ala (NM_001289071.2); c.1144A>G, p.Thr382Ala (NM_001289072.2); c.1120A>G, p.Thr374Ala (NM_001289073.2); c.451A>G, p.Thr151Ala (NM_001289074.2); and 1 more; short protein forms T151A, T382A, T512A, T388A, T480A, T558A, T106A, T374A.
Identifiers: ClinVar variation 1410615 (VCV001410615.5), dbSNP rs76040812, ClinGen allele CA5615535.